The following is an entry in ClinVar:

NM_001448.3(GPC4):c.1033A>G (p.Lys345Glu)

Gene: GPC4 (glypican 4; minus strand). Cytogenetic location: Xq26.2.
Variant type: single nucleotide variant.
Coding change: c.1033A>G on transcript NM_001448.3 (MANE Select); coding-DNA position 1033, A replaced by G.
Protein change: p.Lys345Glu; replaces lysine 345 with glutamic acid.
Molecular consequence: missense variant.
Genome position (GRCh38, 1-based): chrX:133,305,894, T>C on the plus strand (A>G on the coding strand, the complement: GPC4 is on the minus strand). VCF-style: chrX-133305894-T-C. GRCh37 (hg19) VCF-style: chrX-132439922-T-C.
Other names: short protein forms K345E.
Identifiers: ClinVar variation 3573762 (VCV003573762.1).

ClinVar aggregate classification (germline): Uncertain significance (1 of 4 stars; one submission).

gnomAD v4.1: 1 of 1,209,247 alleles (0.000083%); highest among the groups gnomAD compares: Non-Finnish European, 0.00011%; no homozygotes.

Submission:

GeneDx
Classification: Uncertain significance. Last evaluated: 2024-07-16. Review status: criteria provided, single submitter. Criteria: GeneDx Variant Classification Process June 2021. Collection method: clinical testing. Allele origin: germline. Affected: yes.
Comment: In silico analysis indicates that this missense variant does not alter protein structure/function; Has not been previously published as pathogenic or benign to our knowledge